The following is an entry in ClinVar:

ClinVar aggregate classification (germline): Conflicting classifications of pathogenicity. Review status: criteria provided, conflicting classifications (1 of 4 stars). 5 submissions from 5 submitters: Uncertain significance (4); Likely benign (1). Last evaluated 2025-10-22.

Conditions:
Cardiovascular phenotype. Identifiers: MedGen CN230736.
Ehlers-Danlos syndrome (EDS). Identifiers: Orphanet 98249, MedGen C0013720, MONDO:0020066.

Allele frequency attached by ClinVar (database versions not stated): TOPMed 0.00007; ExAC 0.00008; gnomAD 0.00010; gnomAD exomes 0.00018 and 0.00020.
gnomAD v4.1: 293 of 1,541,064 alleles (0.019%); highest among the groups gnomAD compares: Non-Finnish European, 0.022%; 1 homozygote.

Submissions (5):

Women's Health and Genetics/Laboratory Corporation of America, LabCorp
Classification: Uncertain significance. Last evaluated: 2025-10-22. Review status: criteria provided, single submitter. Criteria: LabCorp Variant Classification Summary - May 2015. Collection method: clinical testing. Allele origin: germline.
Comment: Variant summary: ZNF469 c.10462G>A (p.Glu3488Lys) results in a conservative amino acid change in the encoded protein sequence. Algorithms developed to predict the effect of missense changes on protein structure and function are either unavailable or do not agree on the potential impact of this missense change. The variant allele was found at a frequency of 0.00018 in 143564 control chromosomes. This frequency is not significantly higher than estimated for disease-causing variants in ZNF469, allowing no conclusion about variant significance. To our knowledge, no occurrence of c.10462G>A in individuals affected with ZNF469-related conditions and no experimental evidence demonstrating its impact on protein function have been reported. ClinVar contains an entry for this variant (Variation ID: 1219545). Based on the evidence outlined above, the variant was classified as uncertain significance.

GeneDx
Classification: Uncertain significance. Last evaluated: 2024-12-26. Review status: criteria provided, single submitter. Criteria: GeneDx Variant Classification Process June 2021. Collection method: clinical testing. Allele origin: germline. Affected: yes.
Comment: In silico analysis indicates that this missense variant does not alter protein structure/function; Has not been previously published as pathogenic or benign to our knowledge

Ambry Genetics
Classification: Likely benign for Cardiovascular phenotype. Last evaluated: 2023-06-16. Review status: criteria provided, single submitter. Criteria: Ambry Variant Classification Scheme 2023. Collection method: clinical testing. Allele origin: germline.

Labcorp Genetics (formerly Invitae), Labcorp
Classification: Uncertain significance. Last evaluated: 2022-08-19. Review status: criteria provided, single submitter. Criteria: Invitae Variant Classification Sherloc (09022015). Collection method: clinical testing. Allele origin: germline.
Comment: This sequence change replaces glutamic acid, which is acidic and polar, with lysine, which is basic and polar, at codon 3460 of the ZNF469 protein (p.Glu3460Lys). This variant is present in population databases (rs781244140, gnomAD 0.03%). This variant has not been reported in the literature in individuals affected with ZNF469-related conditions. ClinVar contains an entry for this variant (Variation ID: 1219545). Algorithms developed to predict the effect of missense changes on protein structure and function (SIFT, PolyPhen-2, Align-GVGD) all suggest that this variant is likely to be tolerated. In summary, the available evidence is currently insufficient to determine the role of this variant in disease. Therefore, it has been classified as a Variant of Uncertain Significance.

Genome Diagnostics Laboratory, The Hospital for Sick Children
Classification: Uncertain significance for Ehlers-Danlos syndrome. Last evaluated: 2021-10-12. Review status: criteria provided, single submitter. Criteria: ACMG Guidelines, 2015. Collection method: clinical testing. Allele origin: germline.

NM_001367624.2(ZNF469):c.10462G>A (p.Glu3488Lys)

Gene: ZNF469 (zinc finger protein 469; plus strand). Cytogenetic location: 16q24.2.
Variant type: single nucleotide variant.
Coding change: c.10462G>A on transcript NM_001367624.2 (MANE Select); coding-DNA position 10462, G replaced by A.
Protein change: p.Glu3488Lys; replaces glutamic acid 3488 with lysine.
Molecular consequence: missense variant.
Genome position (GRCh38, 1-based): chr16:88,437,932, G>A. VCF-style: chr16-88437932-G-A. GRCh37 (hg19) VCF-style: chr16-88504340-G-A.
Other names: NM_001127464.1:c.10378G>A; NM_001127464.2:c.10378G>A; short protein forms E3488K.
Identifiers: ClinVar variation 1219545 (VCV001219545.15), dbSNP rs781244140, ClinGen allele CA8225515.